The following is an entry in ClinVar:

ClinVar aggregate classification (germline): Likely benign. Review status: criteria provided, multiple submitters, no conflicts (2 of 4 stars). 2 submissions from 2 submitters: Likely benign (2). Last evaluated 2026-01-06.

Allele frequency attached by ClinVar (database versions not stated): TOPMed below 0.00001; gnomAD 0.00001 and 0.00004; gnomAD exomes 0.00001 and 0.00004; ExAC 0.00003; 1000 Genomes Project 30x 0.00016; 1000 Genomes Project 0.00020.
gnomAD v4.1: 20 of 1,605,730 alleles (0.0012%); highest among the groups gnomAD compares: East Asian, 0.029%; no homozygotes.

Submissions (2):

Labcorp Genetics (formerly Invitae), Labcorp
Classification: Likely benign. Last evaluated: 2026-01-06. Review status: criteria provided, single submitter. Criteria: Invitae Variant Classification Sherloc (09022015). Collection method: clinical testing. Allele origin: germline.

GeneDx
Classification: Likely benign. Last evaluated: 2017-08-23. Review status: criteria provided, single submitter. Criteria: GeneDx Variant Classification (06012015). Collection method: clinical testing. Allele origin: germline. Affected: yes.
Comment: This variant is considered likely benign or benign based on one or more of the following criteria: it is a conservative change, it occurs at a poorly conserved position in the protein, it is predicted to be benign by multiple in silico algorithms, and/or has population frequency not consistent with disease.

NM_018444.4(PDP1):c.1434A>G (p.Ala478=)

Gene: PDP1 (pyruvate dehydrogenase phosphatase catalytic subunit 1; plus strand). Cytogenetic location: 8q22.1.
Variant type: single nucleotide variant.
Coding change: c.1434A>G on transcript NM_018444.4 (MANE Select); coding-DNA position 1434, A replaced by G.
Protein change: p.Ala478=; no amino-acid change (alanine 478 retained).
Molecular consequence: synonymous variant.
Genome position (GRCh38, 1-based): chr8:93,923,493, A>G. VCF-style: chr8-93923493-A-G. GRCh37 (hg19) VCF-style: chr8-94935721-A-G.
Other names: c.1509A>G, p.Ala503= (NM_001161779.2, NM_001161780.2); c.1434A>G, p.Ala478= (NM_001161781.2).
Identifiers: ClinVar variation 511369 (VCV000511369.10), dbSNP rs117294206, ClinGen allele CA4808829.
Genomic context (GRCh38, chr8:93,923,493, plus strand): 5'-GCATGGCCTTTTAACAGAAAGGAGAACCAAAATGTCCTCGGTATTTGAGGATCAGAACGC[A>G]GCAACCCATCTCATTCGCCACGCTGTGGGCAACAACGAGTTTGGGACTGTTGATCATGAG-3'
Protein context (NP_060914.2, residues 468-488): KMSSVFEDQN[Ala478=]ATHLIRHAVG